The following is an entry in ClinVar:

ClinVar aggregate classification (germline): Uncertain significance (1 of 4 stars; one submission).

Conditions:
Severe combined immunodeficiency due to DNA-PKcs deficiency. Also called: Immunodeficiency 26 with or without neurologic abnormalities; IMMUNODEFICIENCY 26 WITH NEUROLOGIC ABNORMALITIES. Identifiers: Orphanet 317425, MedGen C4014833, MONDO:0014423, OMIM 615966.

Allele frequency attached by ClinVar (database versions not stated): gnomAD exomes below 0.00001; gnomAD 0.00001; TOPMed 0.00001.
gnomAD v4.1: 5 of 1,608,178 alleles (0.00031%); highest among the groups gnomAD compares: Admixed American, 0.0017%; no homozygotes.

Submission:

Labcorp Genetics (formerly Invitae), Labcorp
Classification: Uncertain significance for Severe combined immunodeficiency due to DNA-PKcs deficiency. Last evaluated: 2025-07-28. Review status: criteria provided, single submitter. Criteria: Invitae Variant Classification Sherloc (09022015). Collection method: clinical testing. Allele origin: germline.
Comment: This sequence change replaces lysine, which is basic and polar, with glutamic acid, which is acidic and polar, at codon 3172 of the PRKDC protein (p.Lys3172Glu). This variant is present in population databases (no rsID available, gnomAD 0.0008%). This variant has not been reported in the literature in individuals affected with PRKDC-related conditions. ClinVar contains an entry for this variant (Variation ID: 645337). Invitae Evidence Modeling of protein sequence and biophysical properties (such as structural, functional, and spatial information, amino acid conservation, physicochemical variation, residue mobility, and thermodynamic stability) indicates that this missense variant is not expected to disrupt PRKDC protein function with a negative predictive value of 80%. In summary, the available evidence is currently insufficient to determine the role of this variant in disease. Therefore, it has been classified as a Variant of Uncertain Significance.

NM_006904.7(PRKDC):c.9514A>G (p.Lys3172Glu)

Gene: PRKDC (protein kinase, DNA-activated, catalytic subunit; minus strand). Cytogenetic location: 8q11.21.
Variant type: single nucleotide variant.
Coding change: c.9514A>G on transcript NM_006904.7 (MANE Select); coding-DNA position 9514, A replaced by G.
Protein change: p.Lys3172Glu; replaces lysine 3172 with glutamic acid.
Molecular consequence: missense variant.
Genome position (GRCh38, 1-based): chr8:47,817,493, T>C on the plus strand (A>G on the coding strand, the complement: PRKDC is on the minus strand). VCF-style: chr8-47817493-T-C. GRCh37 (hg19) VCF-style: chr8-48730054-T-C.
Other names: c.9514A>G, p.Lys3172Glu (NM_001081640.2); short protein forms K3172E.
Identifiers: ClinVar variation 645337 (VCV000645337.5), dbSNP rs1283749735, ClinGen allele CA371137082.